The following is an entry in ClinVar:

ClinVar aggregate classification (germline): Likely pathogenic (1 of 4 stars; one submission).

Submission:

Labcorp Genetics (formerly Invitae), Labcorp
Classification: Likely pathogenic. Last evaluated: 2023-07-14. Review status: criteria provided, single submitter. Criteria: Invitae Variant Classification Sherloc (09022015). Collection method: clinical testing. Allele origin: germline.
Comment: This sequence change replaces aspartic acid, which is acidic and polar, with glutamic acid, which is acidic and polar, at codon 251 of the DEAF1 protein (p.Asp251Glu). This variant is not present in population databases (gnomAD no frequency). This variant has not been reported in the literature in individuals affected with DEAF1-related conditions. ClinVar contains an entry for this variant (Variation ID: 1518918). Advanced modeling of protein sequence and biophysical properties (such as structural, functional, and spatial information, amino acid conservation, physicochemical variation, residue mobility, and thermodynamic stability) performed at Invitae indicates that this missense variant is expected to disrupt DEAF1 protein function. This variant disrupts the p.Asp251 amino acid residue in DEAF1. Other variant(s) that disrupt this residue have been determined to be pathogenic (Invitae). This suggests that this residue is clinically significant, and that variants that disrupt this residue are likely to be disease-causing. In summary, the currently available evidence indicates that the variant is pathogenic, but additional data are needed to prove that conclusively. Therefore, this variant has been classified as Likely Pathogenic.

NM_021008.4(DEAF1):c.753C>A (p.Asp251Glu)

Gene: DEAF1 (DEAF1 transcription factor; minus strand). Cytogenetic location: 11p15.5.
Variant type: single nucleotide variant.
Coding change: c.753C>A on transcript NM_021008.4 (MANE Select); coding-DNA position 753, C replaced by A.
Protein change: p.Asp251Glu; replaces aspartic acid 251 with glutamic acid.
Molecular consequence: missense variant. On other transcripts: intron variant (1).
Genome position (GRCh38, 1-based): chr11:686,909, G>T on the plus strand (C>A on the coding strand, the complement: DEAF1 is on the minus strand). VCF-style: chr11-686909-G-T. GRCh37 (hg19) VCF-style: chr11-686909-G-T.
Other names: c.27C>A, p.Asp9Glu (NM_001367390.1, NM_001440885.1, NM_001440886.1 and 1 more transcripts); c.753C>A, p.Asp251Glu (NM_001440883.1, NM_001440884.1); c.664+1002C>A (NM_001293634.2); short protein forms D9E, D251E.
Identifiers: ClinVar variation 1518918 (VCV001518918.8), dbSNP rs1860617657, ClinGen allele CA378932174.